The following is an entry in ClinVar:

ClinVar aggregate classification (germline): Uncertain significance (1 of 4 stars; one submission).

Conditions:
Norman-Roberts syndrome (LIS2). Also called: Lissencephaly 2 (Norman-Roberts type). Identifiers: Orphanet 89844, MedGen C0796089, MONDO:0009760, OMIM 257320.
Familial temporal lobe epilepsy 7. Identifiers: Orphanet 101046, MedGen C4225327, MONDO:0014639, OMIM 616436.

Allele frequency attached by ClinVar (database versions not stated): gnomAD exomes below 0.00001.
gnomAD v4.1: 1 of 1,613,954 alleles (0.000062%); highest among the groups gnomAD compares: South Asian, 0.0011%; no homozygotes.

Submission:

Labcorp Genetics (formerly Invitae), Labcorp
Classification: Uncertain significance for Familial temporal lobe epilepsy 7; Norman-Roberts syndrome. Last evaluated: 2022-10-29. Review status: criteria provided, single submitter. Criteria: Invitae Variant Classification Sherloc (09022015). Collection method: clinical testing. Allele origin: germline.
Comment: In summary, the available evidence is currently insufficient to determine the role of this variant in disease. Therefore, it has been classified as a Variant of Uncertain Significance. Algorithms developed to predict the effect of sequence changes on RNA splicing suggest that this variant may create or strengthen a splice site. Advanced modeling of protein sequence and biophysical properties (such as structural, functional, and spatial information, amino acid conservation, physicochemical variation, residue mobility, and thermodynamic stability) performed at Invitae indicates that this missense variant is not expected to disrupt RELN protein function. This variant has not been reported in the literature in individuals affected with RELN-related conditions. This variant is not present in population databases (gnomAD no frequency). This sequence change replaces aspartic acid, which is acidic and polar, with asparagine, which is neutral and polar, at codon 1631 of the RELN protein (p.Asp1631Asn).

NM_005045.4(RELN):c.4891G>A (p.Asp1631Asn)

Gene: RELN (reelin; minus strand). Cytogenetic location: 7q22.1.
Variant type: single nucleotide variant.
Coding change: c.4891G>A on transcript NM_005045.4 (MANE Select); coding-DNA position 4891, G replaced by A.
Protein change: p.Asp1631Asn; replaces aspartic acid 1631 with asparagine.
Molecular consequence: missense variant.
Genome position (GRCh38, 1-based): chr7:103,566,269, C>T on the plus strand (G>A on the coding strand, the complement: RELN is on the minus strand). VCF-style: chr7-103566269-C-T. GRCh37 (hg19) VCF-style: chr7-103206716-C-T.
Other names: c.4891G>A, p.Asp1631Asn (NM_173054.3); short protein forms D1631N.
Identifiers: ClinVar variation 2941107 (VCV002941107.3), dbSNP rs2484743134, ClinGen allele CA368747805.